The following is an entry in ClinVar:

ClinVar aggregate classification (germline): Conflicting classifications of pathogenicity. Review status: criteria provided, conflicting classifications (1 of 4 stars). 4 submissions from 4 submitters: Likely pathogenic (2); Uncertain significance (2). Last evaluated 2026-05-12.

Conditions:
Hereditary cancer-predisposing syndrome. Also called: Hereditary Cancer Syndrome; Tumor predisposition; Neoplastic Syndromes, Hereditary; Hereditary neoplastic syndrome. Identifiers: Orphanet 140162, MedGen C0027672, MeSH D009386, MONDO:0015356.
Familial cancer of breast. Also called: hereditary breast carcinoma; BREAST CANCER, FAMILIAL; Hereditary breast cancer. Identifiers: Orphanet 227535, MedGen C0346153, MONDO:0016419, OMIM 114480. Disease mechanism: loss of function.
Ataxia-telangiectasia syndrome (AT). Also called: ATAXIA-TELANGIECTASIA, COMPLEMENTATION GROUP A; ATAXIA-TELANGIECTASIA, FRESNO VARIANT; Ataxia-telangiectasia; Ataxia-telangiectasia, complementation group E; Cerebello-oculocutaneous telangiectasia; Immunodeficiency with ataxia telangiectasia. Identifiers: Orphanet 100, MedGen C0004135, MONDO:0008840, OMIM 208900.

Allele frequency attached by ClinVar (database versions not stated): gnomAD exomes below 0.00001.
gnomAD v4.1: 2 of 1,608,862 alleles (0.00012%); highest among the groups gnomAD compares: Non-Finnish European, 0.00017%; no homozygotes.

Submissions (4):

Ambry Genetics
Classification: Likely pathogenic for Hereditary cancer-predisposing syndrome. Last evaluated: 2026-05-12. Review status: criteria provided, single submitter. Criteria: Ambry Variant Classification Scheme 2023. Collection method: clinical testing. Allele origin: germline.
Comment: The c.7307+4A>G intronic variant results from an A to G substitution 4 nucleotides after coding exon 48 in the ATM gene. This nucleotide position is well conserved in available vertebrate species. In silico splice site analysis predicts that this alteration may result in the creation or strengthening of a novel splice donor site. RNA studies have demonstrated that this alteration results in abnormal splicing in the set of samples tested (Ambry internal data). Another alteration impacting the same donor site (c.7307+1G>A) has been shown to have a similar impact on splicing (Ambry internal data) and has been identified in the compound heterozygous state with a second ATM mutation in an individual diagnosed with ataxia-telangiectasia (AT) (Birrell GW et al. Hum. Mutat., 2005 Jun;25:593). Based on the majority of available evidence to date, this variant is likely to be pathogenic.

Myriad Genetics, Inc.
Classification: Likely pathogenic for Familial cancer of breast. Last evaluated: 2025-03-21. Review status: criteria provided, single submitter. Criteria: Myriad Autosomal Dominant, Autosomal Recessive and X-Linked Classification Criteria (2023). Collection method: clinical testing. Allele origin: unknown.
Comment: This variant is considered likely pathogenic. mRNA analysis has demonstrated abnormal mRNA splicing occurs [Myriad internal data].

Labcorp Genetics (formerly Invitae), Labcorp
Classification: Uncertain significance for Ataxia-telangiectasia syndrome. Last evaluated: 2024-10-30. Review status: criteria provided, single submitter. Criteria: Invitae Variant Classification Sherloc (09022015). Collection method: clinical testing. Allele origin: germline.
Comment: This sequence change falls in intron 49 of the ATM gene. It does not directly change the encoded amino acid sequence of the ATM protein. It affects a nucleotide within the consensus splice site. This variant is not present in population databases (gnomAD no frequency). This variant has not been reported in the literature in individuals affected with ATM-related conditions. ClinVar contains an entry for this variant (Variation ID: 181889). Variants that disrupt the consensus splice site are a relatively common cause of aberrant splicing (PMID: 17576681, 9536098). Algorithms developed to predict the effect of sequence changes on RNA splicing suggest that this variant may disrupt the consensus splice site. In summary, the available evidence is currently insufficient to determine the role of this variant in disease. Therefore, it has been classified as a Variant of Uncertain Significance.

GeneDx
Classification: Uncertain significance. Last evaluated: 2014-08-21. Review status: criteria provided, single submitter. Criteria: GeneDx Variant Classification (06012015). Collection method: clinical testing. Allele origin: germline. Affected: yes.
Comment: This variant is denoted ATM c.7307+4A>G or IVS49+4A>G and consists of an A>G nucleotide substitution at the +4 position of intron 49 of the ATM gene. Multiple in silico models predict this variant to weaken the nearby natural donor site, and to possibly cause abnormal gene splicing. This variant has not, to our knowledge, been published in the literature as pathogenic or benign. ATM c.7307+4 A>G was not observed in approximately 6,500 individuals of European and African American ancestry in the NHLBI Exome Sequencing Project, indicating it is not a common benign variant in these populations. The adenine (A) nucleotide that is altered is conserved across species. Based on currently available information, it is unclear whether ATM c.7307+4 A>G is pathogenic or benign. We consider it to be a variant of uncertain significance.

Literature cited by the submitters: PubMed 17576681 (cited by Labcorp Genetics (formerly Invitae), Labcorp); PubMed 9536098 (cited by Labcorp Genetics (formerly Invitae), Labcorp).

NM_000051.4(ATM):c.7307+4A>G

Genes: ATM (ATM serine/threonine kinase; plus strand), C11orf65 (chromosome 11 open reading frame 65; minus strand). Cytogenetic location: 11q22.3.
Variant type: single nucleotide variant.
Coding change: c.7307+4A>G on transcript NM_000051.4 (MANE Select); 4 bases into the intron after coding-DNA position 7307, A replaced by G.
Molecular consequence: intron variant.
Genome position (GRCh38, 1-based): chr11:108,329,242, A>G. VCF-style: chr11-108329242-A-G. GRCh37 (hg19) VCF-style: chr11-108199969-A-G.
Other names: c.7307+4A>G (NM_001351834.2); c.641-20171T>C (NM_001330368.2); c.*38+5978T>C (NM_001351110.2).
Identifiers: ClinVar variation 181889 (VCV000181889.55), dbSNP rs730881316, ClinGen allele CA298052.